The following is an entry in ClinVar:

ClinVar aggregate classification (germline): Likely benign (1 of 4 stars; one submission).

Conditions:
LAMC1-related disorder. Also called: LAMC1-related condition.

gnomAD v4.1: 34 of 1,613,830 alleles (0.0021%); highest among the groups gnomAD compares: Non-Finnish European, 0.0025%; no homozygotes.

Submission:

PreventionGenetics, part of Exact Sciences
Classification: Likely benign for LAMC1-related condition. Last evaluated: 2024-10-19. Review status: criteria provided, single submitter. Criteria: ACMG Guidelines, 2015. Collection method: clinical testing. Allele origin: germline.
Comment: This variant is classified as likely benign based on ACMG/AMP sequence variant interpretation guidelines (Richards et al. 2015 PMID: 25741868, with internal and published modifications).

NM_002293.4(LAMC1):c.1776A>T (p.Ala592=)

Gene: LAMC1 (laminin subunit gamma 1; plus strand). Cytogenetic location: 1q25.3.
Variant type: single nucleotide variant.
Coding change: c.1776A>T on transcript NM_002293.4 (MANE Select); coding-DNA position 1776, A replaced by T.
Protein change: p.Ala592=; no amino-acid change (alanine 592 retained).
Molecular consequence: synonymous variant.
Genome position (GRCh38, 1-based): chr1:183,117,622, A>T. VCF-style: chr1-183117622-A-T. GRCh37 (hg19) VCF-style: chr1-183086757-A-T.
Identifiers: ClinVar variation 4988765 (VCV004988765.1).
Genomic context (GRCh38, chr1:183,117,622, plus strand): 5'-TTATGGTCAGAACCTCTCCTTCTCCTTTCGAGTGGACAGGCGAGATACTCGCCTCTCTGC[A>T]GAAGACCTTGTGCTTGAGGGAGCTGGCTTAAGAGTATCTGTACCCTTGATCGCTCAGGGC-3'
Protein context (NP_002284.3, residues 582-602): RVDRRDTRLS[Ala592=]EDLVLEGAGL